The following is an entry in ClinVar:

ClinVar aggregate classification (germline): Likely benign (1 of 4 stars; one submission).

gnomAD v4.1: 40 of 1,610,666 alleles (0.0025%); highest among the groups gnomAD compares: Non-Finnish European, 0.0029%; no homozygotes.

Submission:

CeGaT Center for Human Genetics Tuebingen
Classification: Likely benign. Last evaluated: 2025-09-01. Review status: criteria provided, single submitter. Criteria: CeGaT Center For Human Genetics Tuebingen Variant Classification Criteria Version 2. Collection method: clinical testing. Allele origin: germline. Affected: yes. Observed: 1 variant allele.
Comment: PUF60: BP4, BP7

NM_078480.3(PUF60):c.990T>C (p.Thr330=)

Gene: PUF60 (poly(U) binding splicing factor 60; minus strand). Cytogenetic location: 8q24.3.
Variant type: single nucleotide variant.
Coding change: c.990T>C on transcript NM_078480.3 (MANE Select); coding-DNA position 990, T replaced by C.
Protein change: p.Thr330=; no amino-acid change (threonine 330 retained).
Molecular consequence: synonymous variant.
Genome position (GRCh38, 1-based): chr8:143,817,610, A>G on the plus strand (T>C on the coding strand, the complement: PUF60 is on the minus strand). VCF-style: chr8-143817610-A-G. GRCh37 (hg19) VCF-style: chr8-144899780-A-G.
Other names: c.861T>C, p.Thr287= (NM_001136033.3); c.936T>C, p.Thr312= (NM_001271096.2); c.852T>C, p.Thr284= (NM_001271097.2); c.987T>C, p.Thr329= (NM_001271098.2); c.903T>C, p.Thr301= (NM_001271099.2); c.810T>C, p.Thr270= (NM_001271100.2); c.1101T>C, p.Thr367= (NM_001362895.2, NM_001362896.2); c.1050T>C, p.Thr350= (NM_001362897.2); and 1 more.
Identifiers: ClinVar variation 4281044 (VCV004281044.7).